The following is an entry in ClinVar:

ClinVar aggregate classification (germline): Uncertain significance. Review status: criteria provided, multiple submitters, no conflicts (2 of 4 stars). 5 submissions from 5 submitters: Uncertain significance (5). Last evaluated 2024-05-31.

Conditions:
Hereditary spastic paraplegia 50 (SPG50). Also called: Spastic paraplegia 50, autosomal recessive. Identifiers: Orphanet 280763, MedGen C2752008, MONDO:0013048, OMIM 612936.
Inborn genetic diseases. Identifiers: MedGen C0950123, MeSH D030342.

Allele frequency attached by ClinVar (database versions not stated): gnomAD 0.00001 and 0.00002; gnomAD exomes 0.00001 and 0.00002; ExAC 0.00002; TOPMed 0.00002; 1000 Genomes Project 30x 0.00016; 1000 Genomes Project 0.00020.
gnomAD v4.1: 18 of 1,613,768 alleles (0.0011%); highest among the groups gnomAD compares: Admixed American, 0.028%; no homozygotes.

Submissions (5):

Blueprint Genetics
Classification: Uncertain significance. Last evaluated: 2024-05-31. Review status: criteria provided, single submitter. Criteria: ACMG Guidelines, 2015. Collection method: clinical testing. Allele origin: germline.

Ambry Genetics
Classification: Uncertain significance for Inborn genetic diseases. Last evaluated: 2024-05-08. Review status: criteria provided, single submitter. Criteria: Ambry Variant Classification Scheme 2023. Collection method: clinical testing. Allele origin: germline.

Labcorp Genetics (formerly Invitae), Labcorp
Classification: Uncertain significance for Hereditary spastic paraplegia 50. Last evaluated: 2023-12-11. Review status: criteria provided, single submitter. Criteria: Invitae Variant Classification Sherloc (09022015). Collection method: clinical testing. Allele origin: germline.
Comment: This sequence change replaces alanine, which is neutral and non-polar, with valine, which is neutral and non-polar, at codon 397 of the AP4M1 protein (p.Ala397Val). This variant is present in population databases (rs573143488, gnomAD 0.01%). This variant has not been reported in the literature in individuals affected with AP4M1-related conditions. ClinVar contains an entry for this variant (Variation ID: 1336535). Advanced modeling of protein sequence and biophysical properties (such as structural, functional, and spatial information, amino acid conservation, physicochemical variation, residue mobility, and thermodynamic stability) performed at Invitae indicates that this missense variant is not expected to disrupt AP4M1 protein function with a negative predictive value of 80%. In summary, the available evidence is currently insufficient to determine the role of this variant in disease. Therefore, it has been classified as a Variant of Uncertain Significance.

Genetic Services Laboratory, University of Chicago
Classification: Uncertain significance. Last evaluated: 2018-02-14. Review status: criteria provided, single submitter. Criteria: ACMG Guidelines, 2015. Collection method: clinical testing. Allele origin: germline. Affected: no.

Breakthrough Genomics
Classification: Uncertain significance. Review status: criteria provided, single submitter. Criteria: ACMG Guidelines, 2015. Collection method: not provided. Allele origin: germline. Inheritance: Autosomal recessive inheritance. Affected: yes.

NM_004722.4(AP4M1):c.1190C>T (p.Ala397Val)

Gene: AP4M1 (adaptor related protein complex 4 subunit mu 1; plus strand). Cytogenetic location: 7q22.1.
Variant type: single nucleotide variant.
Coding change: c.1190C>T on transcript NM_004722.4 (MANE Select); coding-DNA position 1190, C replaced by T.
Protein change: p.Ala397Val; replaces alanine 397 with valine.
Molecular consequence: missense variant.
Genome position (GRCh38, 1-based): chr7:100,106,710, C>T. VCF-style: chr7-100106710-C-T. GRCh37 (hg19) VCF-style: chr7-99704333-C-T.
Other names: c.1211C>T, p.Ala404Val (NM_001363671.2); short protein forms A397V, A404V.
Identifiers: ClinVar variation 1336535 (VCV001336535.10), dbSNP rs573143488, ClinGen allele CA4375024.